The following is an entry in ClinVar:

NM_001351132.2(PEX5):c.698C>T (p.Ala233Val)

Gene: PEX5 (peroxisomal biogenesis factor 5; plus strand). Cytogenetic location: 12p13.31.
Variant type: single nucleotide variant.
Coding change: c.698C>T on transcript NM_001351132.2 (MANE Select); coding-DNA position 698, C replaced by T.
Protein change: p.Ala233Val; replaces alanine 233 with valine.
Molecular consequence: missense variant. On other transcripts: intron variant (15).
Genome position (GRCh38, 1-based): chr12:7,202,296, C>T. VCF-style: chr12-7202296-C-T. GRCh37 (hg19) VCF-style: chr12-7354892-C-T.
Other names: c.698C>T, p.Ala233Val (NM_000319.5, NM_001131025.2, NM_001131026.2 and 6 more transcripts); c.743C>T, p.Ala248Val (NM_001131023.2); c.643-316C>T (NM_001351124.3, NM_001351126.2, NM_001374646.1 and 10 more transcripts); c.688-316C>T (NM_001351135.3, NM_001351138.2); short protein forms A248V, A233V.
Identifiers: ClinVar variation 1482013 (VCV001482013.8), dbSNP rs2136152339, ClinGen allele CA383722779.
Genomic context (GRCh38, chr12:7,202,296, plus strand): 5'-CCCAGTTCCTGAAATTCGTGCGGCAGATTGGCGAAGGGCAGGTGTCCCTGGAGTCCGGTG[C>T]AGGGTCGGGCCGAGCTCAGGCAGAACAGTGGGCAGCAGAGTTTATACAGCAGCAGGTAGG-3'
Protein context (NP_001338061.1, residues 223-243): GEGQVSLESG[Ala233Val]GSGRAQAEQW

ClinVar aggregate classification (germline): Uncertain significance (1 of 4 stars; one submission).

Conditions:
Peroxisome biogenesis disorder 2B (PBD2B). Identifiers: Orphanet 44, MedGen C3550234, MONDO:0008736, OMIM 202370.

Submission:

Labcorp Genetics (formerly Invitae), Labcorp
Classification: Uncertain significance for Peroxisome biogenesis disorder 2B. Last evaluated: 2022-06-13. Review status: criteria provided, single submitter. Criteria: Invitae Variant Classification Sherloc (09022015). Collection method: clinical testing. Allele origin: germline.
Comment: This variant is not present in population databases (gnomAD no frequency). In summary, the available evidence is currently insufficient to determine the role of this variant in disease. Therefore, it has been classified as a Variant of Uncertain Significance. Algorithms developed to predict the effect of sequence changes on RNA splicing suggest that this variant may disrupt the consensus splice site. Algorithms developed to predict the effect of missense changes on protein structure and function (SIFT, PolyPhen-2, Align-GVGD) all suggest that this variant is likely to be tolerated. This variant has not been reported in the literature in individuals affected with PEX5-related conditions. This sequence change replaces alanine, which is neutral and non-polar, with valine, which is neutral and non-polar, at codon 233 of the PEX5 protein (p.Ala233Val).